The following is an entry in ClinVar:

NM_017755.6(NSUN2):c.787G>T (p.Asp263Tyr)

Gene: NSUN2 (NOP2/Sun RNA methyltransferase 2; minus strand). Cytogenetic location: 5p15.31.
Variant type: single nucleotide variant.
Coding change: c.787G>T on transcript NM_017755.6 (MANE Select); coding-DNA position 787, G replaced by T.
Protein change: p.Asp263Tyr; replaces aspartic acid 263 with tyrosine.
Molecular consequence: missense variant. On other transcripts: non-coding transcript variant (1).
Genome position (GRCh38, 1-based): chr5:6,620,134, C>A on the plus strand (G>T on the coding strand, the complement: NSUN2 is on the minus strand). VCF-style: chr5-6620134-C-A. GRCh37 (hg19) VCF-style: chr5-6620247-C-A.
Other names: c.682G>T, p.Asp228Tyr (NM_001193455.2); short protein forms D228Y, D263Y.
Identifiers: ClinVar variation 1185737 (VCV001185737.2), dbSNP rs761937596, ClinGen allele CA113737448.
Genomic context (GRCh38, chr5:6,620,134, plus strand): 5'-GATTTGGGCTTTTTGGCCAATAAGATAAATACCTGCAAGGGACATCACATAAAATTCGAT[C>A]ATAGAAGAGGATCTCTTTCCTGCCGTCCACATCTATCTGGAGCCTGGGTATGCTGGAGGC-3'
Protein context (NP_060225.4, residues 253-273): VDGRKEILFY[Asp263Tyr]RILCDVPCSG

ClinVar aggregate classification (germline): Likely pathogenic (1 of 4 stars; one submission).

Allele frequency attached by ClinVar (database versions not stated): gnomAD 0.00001.
gnomAD v4.1: 2 of 1,603,034 alleles (0.00012%); highest among the groups gnomAD compares: Admixed American, 0.0018%; no homozygotes.

Submission:

GeneDx
Classification: Likely pathogenic. Last evaluated: 2020-10-03. Review status: criteria provided, single submitter. Criteria: GeneDx Variant Classification Process June 2021. Collection method: clinical testing. Allele origin: germline. Affected: yes.
Comment: In silico analysis, which includes protein predictors and evolutionary conservation, supports a deleterious effect; Not observed in large population cohorts (Lek et al., 2016); Has not been previously published as pathogenic or benign to our knowledge